The following is an entry in ClinVar:

ClinVar aggregate classification (germline): Uncertain significance (1 of 4 stars; one submission).

Conditions:
Combined immunodeficiency due to DOCK8 deficiency (HIES2). Also called: HIES autosomal recessive; Hyper-IgE recurrent infection syndrome, autosomal recessive; HYPER-IgE SYNDROME 2, AUTOSOMAL RECESSIVE, WITH RECURRENT INFECTIONS; DOCK8 Deficiency; HYPER-IgE RECURRENT INFECTION SYNDROME 2, AUTOSOMAL RECESSIVE. Identifiers: Orphanet 217390, MedGen C4722305, MONDO:0009478, OMIM 243700.

Allele frequency attached by ClinVar (database versions not stated): gnomAD exomes below 0.00001; TOPMed below 0.00001.
gnomAD v4.1: 1 of 1,612,422 alleles (0.000062%); highest among the groups gnomAD compares: Non-Finnish European, 0.000085%; no homozygotes.

Submission:

Labcorp Genetics (formerly Invitae), Labcorp
Classification: Uncertain significance for Combined immunodeficiency due to DOCK8 deficiency. Last evaluated: 2021-03-09. Review status: criteria provided, single submitter. Criteria: Invitae Variant Classification Sherloc (09022015). Collection method: clinical testing. Allele origin: germline.
Comment: This sequence change falls in intron 22 of the DOCK8 gene. It does not directly change the encoded amino acid sequence of the DOCK8 protein. This variant is not present in population databases (ExAC no frequency). This variant has not been reported in the literature in individuals with DOCK8-related conditions. Algorithms developed to predict the effect of sequence changes on RNA splicing suggest that this variant may disrupt the consensus splice site, but this prediction has not been confirmed by published transcriptional studies. In summary, the available evidence is currently insufficient to determine the role of this variant in disease. Therefore, it has been classified as a Variant of Uncertain Significance.

NM_203447.4(DOCK8):c.2779-10T>G

Gene: DOCK8 (dedicator of cytokinesis 8; plus strand). Cytogenetic location: 9p24.3.
Variant type: single nucleotide variant.
Coding change: c.2779-10T>G on transcript NM_203447.4 (MANE Select); 10 bases into the intron before coding-DNA position 2779, T replaced by G.
Molecular consequence: intron variant.
Genome position (GRCh38, 1-based): chr9:386,321, T>G. VCF-style: chr9-386321-T-G. GRCh37 (hg19) VCF-style: chr9-386321-T-G.
Other names: c.2575-10T>G (NM_001193536.2); c.2574+3636T>G (NM_001190458.2).
Identifiers: ClinVar variation 1348908 (VCV001348908.8), dbSNP rs2053947964, ClinGen allele CA1826879061.